The following is an entry in ClinVar:

ClinVar aggregate classification (germline): Likely benign. Review status: criteria provided, single submitter (1 of 4 stars). 2 submissions from 2 submitters: Likely benign (1). 1 of the submissions does not count toward it. Last evaluated 2024-11-21.

Conditions:
MECOM-related disorder. Also called: MECOM-related condition.
Inborn genetic diseases. Identifiers: MedGen C0950123, MeSH D030342.

Allele frequency attached by ClinVar (database versions not stated): gnomAD exomes 0.00001.
gnomAD v4.1: 4 of 1,612,926 alleles (0.00025%); highest among the groups gnomAD compares: East Asian, 0.0022%; no homozygotes.

Submissions (2):

Ambry Genetics
Classification: Likely benign for Inborn genetic diseases. Last evaluated: 2024-11-21. Review status: criteria provided, single submitter. Criteria: Ambry Variant Classification Scheme 2023. Collection method: clinical testing. Allele origin: germline.

PreventionGenetics, part of Exact Sciences
Classification: Likely benign for MECOM-related condition. Last evaluated: 2020-07-02. Review status: no assertion criteria provided. Collection method: clinical testing. Allele origin: germline. Not counted in ClinVar's aggregate classification.
Comment: This variant is classified as likely benign based on ACMG/AMP sequence variant interpretation guidelines (Richards et al. 2015 PMID: 25741868, with internal and published modifications).

NM_004991.4(MECOM):c.1017C>T (p.Arg339=)

Gene: MECOM (MDS1 and EVI1 complex locus; minus strand). Cytogenetic location: 3q26.2.
Variant type: single nucleotide variant.
Coding change: c.1017C>T on transcript NM_004991.4 (MANE Select); coding-DNA position 1017, C replaced by T.
Protein change: p.Arg339=; no amino-acid change (arginine 339 retained).
Molecular consequence: synonymous variant.
Genome position (GRCh38, 1-based): chr3:169,121,171, G>A on the plus strand (C>T on the coding strand, the complement: MECOM is on the minus strand). VCF-style: chr3-169121171-G-A. GRCh37 (hg19) VCF-style: chr3-168838959-G-A.
Other names: c.648C>T, p.Arg216= (NM_001105077.4); c.453C>T, p.Arg151= (NM_001105078.4, NM_001164000.2, NM_001205194.2 and 5 more transcripts); c.456C>T, p.Arg152= (NM_001163999.2, NM_001366467.2, NM_001366468.2 and 1 more transcripts); c.1017C>T, p.Arg339= (NM_001366466.2, NM_001366473.2); c.1017C>T (NM_004991.3).
Identifiers: ClinVar variation 3036002 (VCV003036002.3), dbSNP rs971786932, ClinGen allele CA436707011.